The following is an entry in ClinVar:

ClinVar aggregate classification (germline): Uncertain significance. Review status: criteria provided, multiple submitters, no conflicts (2 of 4 stars). 2 submissions from 2 submitters: Uncertain significance (2). Last evaluated 2024-03-05.

Conditions:
Inborn genetic diseases. Identifiers: MedGen C0950123, MeSH D030342.

Allele frequency attached by ClinVar (database versions not stated): gnomAD 0.00001; ExAC 0.00002; gnomAD exomes 0.00002; TOPMed 0.00002.
gnomAD v4.1: 27 of 1,608,782 alleles (0.0017%); highest among the groups gnomAD compares: East Asian, 0.027%; no homozygotes.

Submissions (2):

Ambry Genetics
Classification: Uncertain significance for Inborn genetic diseases. Last evaluated: 2024-03-05. Review status: criteria provided, single submitter. Criteria: Ambry Variant Classification Scheme 2023. Collection method: clinical testing. Allele origin: germline.

Labcorp Genetics (formerly Invitae), Labcorp
Classification: Uncertain significance. Last evaluated: 2022-07-06. Review status: criteria provided, single submitter. Criteria: Invitae Variant Classification Sherloc (09022015). Collection method: clinical testing. Allele origin: germline.
Comment: This sequence change replaces phenylalanine, which is neutral and non-polar, with leucine, which is neutral and non-polar, at codon 1367 of the ASPM protein (p.Phe1367Leu). In summary, the available evidence is currently insufficient to determine the role of this variant in disease. Therefore, it has been classified as a Variant of Uncertain Significance. Algorithms developed to predict the effect of missense changes on protein structure and function are either unavailable or do not agree on the potential impact of this missense change (SIFT: "Tolerated"; PolyPhen-2: "Possibly Damaging"; Align-GVGD: "Class C0"). This variant has not been reported in the literature in individuals affected with ASPM-related conditions. This variant is present in population databases (rs759226461, gnomAD 0.07%).

NM_018136.5(ASPM):c.4101T>A (p.Phe1367Leu)

Gene: ASPM (assembly factor for spindle microtubules; minus strand). Cytogenetic location: 1q31.3.
Variant type: single nucleotide variant.
Coding change: c.4101T>A on transcript NM_018136.5 (MANE Select); coding-DNA position 4101, T replaced by A.
Protein change: p.Phe1367Leu; replaces phenylalanine 1367 with leucine.
Molecular consequence: missense variant. On other transcripts: intron variant (1).
Genome position (GRCh38, 1-based): chr1:197,105,150, A>T on the plus strand (T>A on the coding strand, the complement: ASPM is on the minus strand). VCF-style: chr1-197105150-A-T. GRCh37 (hg19) VCF-style: chr1-197074280-A-T.
Other names: c.4066-8986T>A (NM_001206846.2); c.4101T>A (NM_018136.4); short protein forms F1367L.
Identifiers: ClinVar variation 1929993 (VCV001929993.4), dbSNP rs759226461, ClinGen allele CA1309983.
Genomic context (GRCh38, chr1:197,105,150, plus strand): 5'-AACAGCAATTATCATTCTTATCCTAGATTGCAGGATGATTGAATAATATTTCAATTTCAG[A>T]AATCTTTGTCTAGTGGAATATCTTCTCCAATATCCCTGGAAAAGGTAAGAAAGGACACAA-3'
Protein context (NP_060606.3, residues 1357-1377): YWRRYSTRQR[Phe1367Leu]LKLKYYSIIL